The following is an entry in ClinVar:

NM_033163.5(FGF8):c.439G>A (p.Ala147Thr)

Gene: FGF8 (fibroblast growth factor 8; minus strand). Cytogenetic location: 10q24.32.
Variant type: single nucleotide variant.
Coding change: c.439G>A on transcript NM_033163.5 (MANE Select); coding-DNA position 439, G replaced by A.
Protein change: p.Ala147Thr; replaces alanine 147 with threonine.
Molecular consequence: missense variant.
Genome position (GRCh38, 1-based): chr10:101,771,468, C>T on the plus strand (G>A on the coding strand, the complement: FGF8 is on the minus strand). VCF-style: chr10-101771468-C-T. GRCh37 (hg19) VCF-style: chr10-103531225-C-T.
Other names: c.127G>A, p.Ala43Thr (NM_001206389.2); c.352G>A, p.Ala118Thr (NM_006119.6); c.406G>A, p.Ala136Thr (NM_033164.4); c.319G>A, p.Ala107Thr (NM_033165.5); short protein forms A136T, A107T, A118T, A43T, A147T.
Identifiers: ClinVar variation 3278656 (VCV003278656.3).

ClinVar aggregate classification (germline): Uncertain significance. Review status: criteria provided, multiple submitters, no conflicts (2 of 4 stars). 3 submissions from 3 submitters: Uncertain significance (2). 1 of the submissions does not count toward it. Last evaluated 2025-05-21.

Conditions:
Hypogonadotropic hypogonadism 6 with or without anosmia (HH6). Also called: HYPOGONADOTROPIC HYPOGONADISM 6 WITHOUT ANOSMIA; HYPOGONADOTROPIC HYPOGONADISM 6 WITH ANOSMIA; FGF8-Related GnRH Deficiency (Kallmann Syndrome 6). Identifiers: Orphanet 478, MedGen C3552574, MONDO:0012988, OMIM 612702.
Inborn genetic diseases. Identifiers: MedGen C0950123, MeSH D030342.

gnomAD v4.1: 21 of 1,613,608 alleles (0.0013%); highest among the groups gnomAD compares: East Asian, 0.0022%; no homozygotes.

Submissions (3):

GeneDx
Classification: Uncertain significance. Last evaluated: 2025-05-21. Review status: criteria provided, single submitter. Criteria: GeneDx Variant Classification Process June 2021. Collection method: clinical testing. Allele origin: germline. Affected: yes.
Comment: Not observed at significant frequency in large population cohorts (gnomAD); In silico analysis suggests that this missense variant does not alter protein structure/function; Has not been previously published as pathogenic or benign to our knowledge

Ambry Genetics
Classification: Uncertain significance for Inborn genetic diseases. Last evaluated: 2024-03-31. Review status: criteria provided, single submitter. Criteria: Ambry Variant Classification Scheme 2023. Collection method: clinical testing. Allele origin: germline.

Department of Urology, Children's Hospital, Zhejiang University School of Medicine
Classification: Uncertain significance for Hypogonadotropic hypogonadism 6 with or without anosmia. Last evaluated: 2025-04-10. Review status: no assertion criteria provided. Criteria: Submitter's publication. Collection method: clinical testing. Allele origin: paternal. Affected: yes. Not counted in ClinVar's aggregate classification.